The following is an entry in ClinVar:

ClinVar aggregate classification (germline): Likely benign. Review status: criteria provided, single submitter (1 of 4 stars). 2 submissions from 2 submitters: Likely benign (1). 1 of the submissions does not count toward it. Last evaluated 2025-07-03.

Conditions:
ACACA-related disorder. Also called: ACACA-related condition.

Allele frequency attached by ClinVar (database versions not stated): gnomAD exomes 0.00003; ExAC 0.00004; gnomAD 0.00005; TOPMed 0.00005; ESP Exome Variant Server 0.00008.
gnomAD v4.1: 47 of 1,613,926 alleles (0.0029%); highest among the groups gnomAD compares: African/African-American, 0.0093%; no homozygotes.

Submissions (2):

Labcorp Genetics (formerly Invitae), Labcorp
Classification: Likely benign. Last evaluated: 2025-07-03. Review status: criteria provided, single submitter. Criteria: Invitae Variant Classification Sherloc (09022015). Collection method: clinical testing. Allele origin: germline.

PreventionGenetics, part of Exact Sciences
Classification: Likely benign for ACACA-related condition. Last evaluated: 2019-11-25. Review status: no assertion criteria provided. Collection method: clinical testing. Allele origin: germline. Not counted in ClinVar's aggregate classification.
Comment: This variant is classified as likely benign based on ACMG/AMP sequence variant interpretation guidelines (Richards et al. 2015 PMID: 25741868, with internal and published modifications).

NM_198834.3(ACACA):c.6282C>T (p.Tyr2094=)

Gene: ACACA (acetyl-CoA carboxylase alpha; minus strand). Cytogenetic location: 17q12.
Variant type: single nucleotide variant.
Coding change: c.6282C>T on transcript NM_198834.3 (MANE Select); coding-DNA position 6282, C replaced by T.
Protein change: p.Tyr2094=; no amino-acid change (tyrosine 2094 retained).
Molecular consequence: synonymous variant.
Genome position (GRCh38, 1-based): chr17:37,113,258, G>A on the plus strand (C>T on the coding strand, the complement: ACACA is on the minus strand). VCF-style: chr17-37113258-G-A. GRCh37 (hg19) VCF-style: chr17-35470193-G-A.
Other names: c.6171C>T, p.Tyr2057= (NM_198836.3, NM_198839.3); c.5997C>T, p.Tyr1999= (NM_198837.2); c.5937C>T, p.Tyr1979= (NM_198838.2); c.6282C>T (NM_198834.2).
Identifiers: ClinVar variation 1911747 (VCV001911747.7), dbSNP rs372559158, ClinGen allele CA8514655.